The following is an entry in ClinVar:

ClinVar aggregate classification (germline): Likely benign. Review status: criteria provided, single submitter (1 of 4 stars). 2 submissions from 2 submitters: Likely benign (1). 1 of the submissions does not count toward it. Last evaluated 2025-01-05.

Conditions:
RTEL1-related disorder. Also called: RTEL1-related disorders; RTEL1-related condition.
Dyskeratosis congenita, autosomal recessive 5 (DKCB5). Identifiers: MedGen C3554656, MONDO:0014076, OMIM 615190.
Pulmonary fibrosis and/or bone marrow failure, Telomere-related, 3. Also called: PULMONARY FIBROSIS AND/OR BONE MARROW FAILURE SYNDROME, TELOMERE-RELATED, 3. Identifiers: Orphanet 2032, MedGen C4225346, MONDO:0014613, OMIM 616373.

Submissions (2):

Labcorp Genetics (formerly Invitae), Labcorp
Classification: Likely benign for Dyskeratosis congenita, autosomal recessive 5; Pulmonary fibrosis and/or bone marrow failure, Telomere-related, 3. Last evaluated: 2025-01-05. Review status: criteria provided, single submitter. Criteria: Invitae Variant Classification Sherloc (09022015). Collection method: clinical testing. Allele origin: germline.

PreventionGenetics, part of Exact Sciences
Classification: Likely benign for RTEL1-related condition. Last evaluated: 2023-05-12. Review status: no assertion criteria provided. Collection method: clinical testing. Allele origin: germline. Not counted in ClinVar's aggregate classification.
Comment: This variant is classified as likely benign based on ACMG/AMP sequence variant interpretation guidelines (Richards et al. 2015 PMID: 25741868, with internal and published modifications).

NM_001283009.2(RTEL1):c.103-12_103-6dup

Genes: RTEL1-TNFRSF6B (RTEL1-TNFRSF6B readthrough (NMD candidate); plus strand), RTEL1 (regulator of telomere elongation helicase 1; plus strand). Cytogenetic location: 20q13.33.
Variant type: Duplication.
Coding change: c.103-12_103-6dup on transcript NM_001283009.2 (MANE Select); 12 bases into the intron before coding-DNA position 103 through 6 bases into the intron before coding-DNA position 103, 7 bases duplicated (AACTCCG; older notation c.103-12_103-6dupAACTCCG).
Molecular consequence: intron variant.
Genome position (GRCh38, 1-based): chr20:63,661,286-63,661,292, AACTCCG duplicated; duplicating any 7 consecutive bases within chr20:63,661,281-63,661,292 gives the same sequence; the c. name uses the placement nearest the transcript's 3' end. VCF-style (leftmost placement, unchanged base first): chr20-63661280-G-GCTCCGAA. GRCh37 (hg19) VCF-style: chr20-62292633-G-GCTCCGAA.
Other names: c.103-12_103-6dup7 (NM_032957.4); c.-567-12_-567-6dup (NM_001283010.1); c.103-12_103-6dup (NM_032957.5, NM_016434.4).
Identifiers: ClinVar variation 2927984 (VCV002927984.5), dbSNP rs1222153789, ClinGen allele CA636615162.